The following is an entry in ClinVar:

ClinVar aggregate classification (germline): Uncertain significance (1 of 4 stars; one submission).

Allele frequency attached by ClinVar (database versions not stated): gnomAD exomes below 0.00001.
gnomAD v4.1: 2 of 1,210,979 alleles (0.00017%); highest among the groups gnomAD compares: Admixed American, 0.0043%; no homozygotes.

Submission:

GeneDx
Classification: Uncertain significance. Last evaluated: 2022-09-02. Review status: criteria provided, single submitter. Criteria: GeneDx Variant Classification Process June 2021. Collection method: clinical testing. Allele origin: germline. Affected: yes.
Comment: In silico analysis supports that this missense variant does not alter protein structure/function; Has not been previously published as pathogenic or benign to our knowledge

NM_000354.6(SERPINA7):c.1203G>T (p.Arg401Ser)

Gene: SERPINA7 (serpin family A member 7; minus strand). Cytogenetic location: Xq22.3.
Variant type: single nucleotide variant.
Coding change: c.1203G>T on transcript NM_000354.6 (MANE Select); coding-DNA position 1203, G replaced by T.
Protein change: p.Arg401Ser; replaces arginine 401 with serine.
Molecular consequence: missense variant.
Genome position (GRCh38, 1-based): chrX:106,033,545, C>A on the plus strand (G>T on the coding strand, the complement: SERPINA7 is on the minus strand). VCF-style: chrX-106033545-C-A. GRCh37 (hg19) VCF-style: chrX-105277536-C-A.
Other names: short protein forms R401S.
Identifiers: ClinVar variation 2442448 (VCV002442448.1), dbSNP rs1197067490, ClinGen allele CA413874031.